The following is an entry in ClinVar:

NM_000038.6(APC):c.5375dup (p.Asn1792fs)

Gene: APC (APC regulator of Wnt signaling pathway; plus strand). Cytogenetic location: 5q22.2.
Variant type: Duplication.
Coding change: c.5375dup on transcript NM_000038.6 (MANE Select); coding-DNA position 5375, one base duplicated (A; older notation c.5375dupA).
Protein change: p.Asn1792fs; shifts the reading frame from asparagine 1792.
Molecular consequence: frameshift variant. On other transcripts: non-coding transcript variant (2).
Genome position (GRCh38, 1-based): chr5:112,840,969, A duplicated; the last of 6 consecutive A bases (chr5:112,840,964-112,840,969); duplicating any one gives the same sequence. VCF-style (leftmost placement, unchanged base first): chr5-112840963-G-GA. GRCh37 (hg19) VCF-style: chr5-112176660-G-GA.
Other names: c.5375dup, p.Asn1792fs (NM_001127510.3, NM_001354895.2, NM_001407450.1); c.5321dup, p.Asn1774fs (NM_001127511.3); c.5429dup, p.Asn1810fs (NM_001354896.2, NM_001407447.1, NM_001407448.1 and 1 more transcripts); c.5405dup, p.Asn1802fs (NM_001354897.2); c.5300dup, p.Asn1767fs (NM_001354898.2); c.5291dup, p.Asn1764fs (NM_001354899.2); c.5252dup, p.Asn1751fs (NM_001354900.2); c.5198dup, p.Asn1733fs (NM_001354901.2, NM_001407453.1); and 11 more; short protein forms N1408fs, N1509fs, N1632fs, N1663fs, N1666fs, N1691fs, N1701fs, N1709fs.
Identifiers: ClinVar variation 2583740 (VCV002583740.2), dbSNP rs2533639689, ClinGen allele CA446208828.

ClinVar aggregate classification (germline): Pathogenic. Review status: criteria provided, multiple submitters, no conflicts (2 of 4 stars). 2 submissions from 2 submitters: Pathogenic (2). Last evaluated 2024-04-25.

Conditions:
Classic or attenuated familial adenomatous polyposis. Identifiers: MedGen CN372698, MONDO:0021057.
Familial adenomatous polyposis 1 (FAP1). Also called: POLYPOSIS, ADENOMATOUS INTESTINAL; FAMILIAL ADENOMATOUS POLYPOSIS 1, ATTENUATED. Identifiers: MedGen C2713442, MONDO:0021056, OMIM 175100. Disease mechanism: loss of function.

Submissions (2):

All of Us Research Program, National Institutes of Health
Classification: Pathogenic for Classic or attenuated familial adenomatous polyposis. Last evaluated: 2024-04-25. Review status: criteria provided, single submitter. Criteria: ACMG Guidelines, 2015. Collection method: clinical testing. Allele origin: germline. Inheritance: Autosomal dominant inheritance. Observed: 1 variant allele, 1 heterozygote.
Comment: This variant inserts 1 nucleotide in exon 16 of the APC gene, creating a frameshift and premature translation stop signal in the last coding exon. This variant is predicted to escape nonsense-mediated decay and be expressed as a truncated protein. Although functional studies have not been reported, this variant is expected to disrupt several domains including the beta-catenin binding domain, SAMP-repeats, the basic domain, and the EB1 and HDLG binding domains (PMID: 11257105). To our knowledge, this variant has not been reported in individuals affected with APC-related disorders in the literature. This variant has not been identified in the general population by the Genome Aggregation Database (gnomAD). Loss of APC function is a known mechanism of disease. Based on the available evidence, this variant is classified as Pathogenic.

This study involves interpretation of variants in research participants for the purpose of population health screening. Participant phenotype was not available at the time of variant classification. Additional details can be found in publication PMID: 35346344, PMCID: PMC8962531

Myriad Genetics, Inc.
Classification: Pathogenic for Familial adenomatous polyposis 1. Last evaluated: 2023-05-12. Review status: criteria provided, single submitter. Criteria: Myriad Autosomal Dominant, Autosomal Recessive and X-Linked Classification Criteria (2023). Collection method: clinical testing. Allele origin: unknown.
Comment: This variant is considered pathogenic. This variant creates a frameshift predicted to result in premature protein truncation.

Literature cited by the submitters: PubMed 11257105 (cited by All of Us Research Program, National Institutes of Health).